The following is an entry in ClinVar:

NM_024876.4(COQ8B):c.1119C>T (p.Phe373=)

Gene: COQ8B (coenzyme Q8B; minus strand). Cytogenetic location: 19q13.2.
Variant type: single nucleotide variant.
Coding change: c.1119C>T on transcript NM_024876.4 (MANE Select); coding-DNA position 1119, C replaced by T.
Protein change: p.Phe373=; no amino-acid change (phenylalanine 373 retained).
Molecular consequence: synonymous variant.
Genome position (GRCh38, 1-based): chr19:40,700,091, G>A on the plus strand (C>T on the coding strand, the complement: COQ8B is on the minus strand). VCF-style: chr19-40700091-G-A. GRCh37 (hg19) VCF-style: chr19-41205996-G-A.
Other names: c.996C>T, p.Phe332= (NM_001142555.3).
Identifiers: ClinVar variation 380036 (VCV000380036.44), dbSNP rs56056214, ClinGen allele CA9450152.
Genomic context (GRCh38, chr19:40,700,091, plus strand): 5'-GCAAATGTACCCAGACACACATCACTAGGAACCAACCTGGTGGCTGGAGGCATCATACAG[G>A]AAGTTGGCCCAGTTGGGGTCAGTCTGCATGAATCGGAACTCAAACAGCTCCCGCAGACAC-3'
Protein context (NP_079152.3, residues 363-383): FMQTDPNWAN[Phe373=]LYDASSHQVT

ClinVar aggregate classification (germline): Benign/Likely benign. Review status: criteria provided, multiple submitters, no conflicts (2 of 4 stars). 7 submissions from 7 submitters: Benign (4); Likely benign (2). 1 of the submissions does not count toward it. Last evaluated 2026-08-01.

Conditions:
Kidney disorder. Also called: Nephropathy; Kidney disease; Kidney Diseases; renal disorder; renal disease. Identifiers: MedGen C0022658, MONDO:0005240, HP:0000112.

Allele frequency attached by ClinVar (database versions not stated): 1000 Genomes Project 30x 0.00312; 1000 Genomes Project 0.00359; TOPMed 0.00804; gnomAD 0.00974 and 0.01001; ESP Exome Variant Server 0.01015; gnomAD exomes 0.01050 and 0.01222; ExAC 0.01069.
gnomAD v4.1: 19,376 of 1,614,220 alleles (1.2%); highest among the groups gnomAD compares: Non-Finnish European, 1.3%; 146 homozygotes.

Submissions (7):

CeGaT Center for Human Genetics Tuebingen
Classification: Benign. Last evaluated: 2026-08-01. Review status: criteria provided, single submitter. Criteria: CeGaT Center For Human Genetics Tuebingen Variant Classification Criteria Version 2. Collection method: clinical testing. Allele origin: germline. Affected: yes. Observed: 27 variant alleles.
Comment: COQ8B: BP4, BP7, BS1, BS2

Labcorp Genetics (formerly Invitae), Labcorp
Classification: Benign. Last evaluated: 2026-01-27. Review status: criteria provided, single submitter. Criteria: Invitae Variant Classification Sherloc (09022015). Collection method: clinical testing. Allele origin: germline.

Blueprint Genetics
Classification: Likely benign. Last evaluated: 2024-11-28. Review status: criteria provided, single submitter. Criteria: ACMG Guidelines, 2015. Collection method: clinical testing. Allele origin: germline.

Genome Diagnostics Laboratory, The Hospital for Sick Children
Classification: Likely benign for Kidney disorder. Last evaluated: 2018-02-01. Review status: criteria provided, single submitter. Criteria: ACMG Guidelines, 2015. Collection method: clinical testing. Allele origin: germline.

GeneDx
Classification: Benign. Last evaluated: 2016-07-14. Review status: criteria provided, single submitter. Criteria: GeneDx Variant Classification (06012015). Collection method: clinical testing. Allele origin: germline. Affected: yes.
Comment: This variant is considered likely benign or benign based on one or more of the following criteria: it is a conservative change, it occurs at a poorly conserved position in the protein, it is predicted to be benign by multiple in silico algorithms, and/or has population frequency not consistent with disease.

Breakthrough Genomics
Classification: Benign. Review status: criteria provided, single submitter. Criteria: ACMG Guidelines, 2015. Collection method: not provided. Allele origin: germline. Inheritance: Autosomal recessive inheritance. Affected: yes.

Mayo Clinic Laboratories, Mayo Clinic
Classification: Benign. Last evaluated: 2016-02-23. Review status: no assertion criteria provided. Collection method: clinical testing. Allele origin: unknown. Not counted in ClinVar's aggregate classification.